The following is an entry in ClinVar:

ClinVar aggregate classification (germline): Uncertain significance (1 of 4 stars; one submission).

Conditions:
Cardiovascular phenotype. Identifiers: MedGen CN230736.

Submission:

Ambry Genetics
Classification: Uncertain significance for Cardiovascular phenotype. Last evaluated: 2025-06-05. Review status: criteria provided, single submitter. Criteria: Ambry Variant Classification Scheme 2023. Collection method: clinical testing. Allele origin: germline.
Comment: The p.D254A variant (also known as c.761A>C), located in coding exon 6 of the VCL gene, results from an A to C substitution at nucleotide position 761. The aspartic acid at codon 254 is replaced by alanine, an amino acid with dissimilar properties. This amino acid position is highly conserved in available vertebrate species. In addition, this alteration is predicted to be deleterious by in silico analysis. Based on the available evidence, the clinical significance of this variant remains unclear.

NM_014000.3(VCL):c.761A>C (p.Asp254Ala)

Gene: VCL (vinculin; plus strand). Cytogenetic location: 10q22.2.
Variant type: single nucleotide variant.
Coding change: c.761A>C on transcript NM_014000.3 (MANE Select); coding-DNA position 761, A replaced by C.
Protein change: p.Asp254Ala; replaces aspartic acid 254 with alanine.
Molecular consequence: missense variant.
Genome position (GRCh38, 1-based): chr10:74,074,881, A>C. VCF-style: chr10-74074881-A-C. GRCh37 (hg19) VCF-style: chr10-75834639-A-C.
Other names: c.761A>C, p.Asp254Ala (NM_003373.4); short protein forms D254A.
Identifiers: ClinVar variation 3979541 (VCV003979541.1).